The following is an entry in ClinVar:

ClinVar aggregate classification (germline): Uncertain significance (1 of 4 stars; one submission).

Conditions:
Neurofibromatosis, type 1 (NF1). Also called: NEUROFIBROMATOSIS, TYPE I, SOMATIC; VON RECKLINGHAUSEN DISEASE; Peripheral type neurofibromatosis; Neurofibromatosis, type I. Identifiers: Orphanet 636, MedGen C0027831, MONDO:0018975, OMIM 162200. Disease mechanism: loss of function.

Submission:

Labcorp Genetics (formerly Invitae), Labcorp
Classification: Uncertain significance for Neurofibromatosis, type 1. Last evaluated: 2020-09-24. Review status: criteria provided, single submitter. Criteria: Invitae Variant Classification Sherloc (09022015). Collection method: clinical testing. Allele origin: germline.
Comment: In summary, the available evidence is currently insufficient to determine the role of this variant in disease. Therefore, it has been classified as a Variant of Uncertain Significance. This variant has not been reported in the literature in individuals with NF1-related conditions. This variant is not present in population databases (ExAC no frequency). This sequence change replaces alanine with glycine at codon 1896 of the NF1 protein (p.Ala1896Gly). The alanine residue is moderately conserved and there is a small physicochemical difference between alanine and glycine. Algorithms developed to predict the effect of missense changes on protein structure and function are either unavailable or do not agree on the potential impact of this missense change (SIFT: "Tolerated"; PolyPhen-2: "Probably Damaging"; Align-GVGD: "Class C0").

NM_001042492.3(NF1):c.5750C>G (p.Ala1917Gly)

Gene: NF1 (neurofibromin 1; plus strand). Cytogenetic location: 17q11.2.
Variant type: single nucleotide variant.
Coding change: c.5750C>G on transcript NM_001042492.3 (MANE Select); coding-DNA position 5750, C replaced by G.
Protein change: p.Ala1917Gly; replaces alanine 1917 with glycine.
Molecular consequence: missense variant.
Genome position (GRCh38, 1-based): chr17:31,330,436, C>G. VCF-style: chr17-31330436-C-G. GRCh37 (hg19) VCF-style: chr17-29657454-C-G.
Other names: c.5687C>G, p.Ala1896Gly (NM_000267.4); short protein forms A1896G, A1917G.
Identifiers: ClinVar variation 1035120 (VCV001035120.5), dbSNP rs2069452996, ClinGen allele CA399010393.
Genomic context (GRCh38, chr17:31,330,436, plus strand): 5'-GTTTATGTATCCCTGCCAACAACACCCTCTTTATTGTCTCTATTAGTAAGACACTGGCAG[C>G]CAATGAGCCACACCTCACGTTAGAATTTTTGGAAGAGTGTATTTCTGGATTTAGCAAATC-3'
Protein context (NP_001035957.1, residues 1907-1927): FIVSISKTLA[Ala1917Gly]NEPHLTLEFL